The following is an entry in ClinVar:

NM_001123385.2(BCOR):c.4835G>A (p.Ser1612Asn)

Gene: BCOR (BCL6 corepressor; minus strand). Cytogenetic location: Xp11.4.
Variant type: single nucleotide variant.
Coding change: c.4835G>A on transcript NM_001123385.2 (MANE Select); coding-DNA position 4835, G replaced by A.
Protein change: p.Ser1612Asn; replaces serine 1612 with asparagine.
Molecular consequence: missense variant.
Genome position (GRCh38, 1-based): chrX:40,054,027, C>T on the plus strand (G>A on the coding strand, the complement: BCOR is on the minus strand). VCF-style: chrX-40054027-C-T. GRCh37 (hg19) VCF-style: chrX-39913280-C-T.
Other names: c.4733G>A, p.Ser1578Asn (NM_001123383.2, NM_001438208.1, NM_017745.6); c.4679G>A, p.Ser1560Asn (NM_001123384.2); c.4835G>A, p.Ser1612Asn (NM_001437510.1, NM_001437511.1); c.4781G>A, p.Ser1594Asn (NM_001438207.1); short protein forms S1560N, S1578N, S1594N, S1612N.
Identifiers: ClinVar variation 4535114 (VCV004535114.6).

ClinVar aggregate classification (germline): Uncertain significance (1 of 4 stars; one submission).

Submission:

CeGaT Center for Human Genetics Tuebingen
Classification: Uncertain significance. Last evaluated: 2025-11-01. Review status: criteria provided, single submitter. Criteria: CeGaT Center For Human Genetics Tuebingen Variant Classification Criteria Version 2. Collection method: clinical testing. Allele origin: germline. Affected: yes. Observed: 1 variant allele.
Comment: BCOR: PM2, BP4